The following is an entry in ClinVar:

NM_001080517.3(SETD5):c.67T>G (p.Ser23Ala)

Gene: SETD5 (SET domain containing 5; plus strand). Cytogenetic location: 3p25.3.
Variant type: single nucleotide variant.
Coding change: c.67T>G on transcript NM_001080517.3 (MANE Select); coding-DNA position 67, T replaced by G.
Protein change: p.Ser23Ala; replaces serine 23 with alanine.
Molecular consequence: missense variant. On other transcripts: 5 prime UTR variant (2).
Genome position (GRCh38, 1-based): chr3:9,429,005, T>G. VCF-style: chr3-9429005-T-G. GRCh37 (hg19) VCF-style: chr3-9470689-T-G.
Other names: c.-492T>G (NM_001292043.2); c.-533T>G (NM_001349451.2); short protein forms S23A.
Identifiers: ClinVar variation 1700384 (VCV001700384.2), dbSNP rs2125044858, ClinGen allele CA351679283.

ClinVar aggregate classification (germline): Uncertain significance (1 of 4 stars; one submission).

Submission:

GeneDx
Classification: Uncertain significance. Last evaluated: 2022-02-04. Review status: criteria provided, single submitter. Criteria: GeneDx Variant Classification Process June 2021. Collection method: clinical testing. Allele origin: germline. Affected: yes.
Comment: Not observed at significant frequency in large population cohorts (gnomAD); In silico analysis supports that this missense variant has a deleterious effect on protein structure/function; Has not been previously published as pathogenic or benign to our knowledge